The following is an entry in ClinVar:

ClinVar aggregate classification (germline): Benign. Review status: criteria provided, multiple submitters, no conflicts (2 of 4 stars). 2 submissions from 2 submitters: Benign (2). Last evaluated 2018-06-14.

Allele frequency attached by ClinVar (database versions not stated): gnomAD 0.67040 and 0.67323; TOPMed 0.67502; 1000 Genomes Project 30x 0.68832; 1000 Genomes Project 0.69050.
gnomAD v4.1: 102,347 of 152,060 alleles (67%); highest among the groups gnomAD compares: East Asian, 82%; 34,674 homozygotes.

Submissions (2):

GeneDx
Classification: Benign. Last evaluated: 2018-06-14. Review status: criteria provided, single submitter. Criteria: GeneDx Variant Classification (06012015). Collection method: clinical testing. Allele origin: germline. Affected: yes.
Comment: This variant is considered likely benign or benign based on one or more of the following criteria: it is a conservative change, it occurs at a poorly conserved position in the protein, it is predicted to be benign by multiple in silico algorithms, and/or has population frequency not consistent with disease.

Breakthrough Genomics
Classification: Benign. Review status: criteria provided, single submitter. Criteria: ACMG Guidelines, 2015. Collection method: not provided. Allele origin: germline. Inheritance: Autosomal dominant inheritance. Affected: yes.

NM_015915.5(ATL1):c.1048-168G>T

Gene: ATL1 (atlastin GTPase 1; plus strand). Cytogenetic location: 14q22.1.
Variant type: single nucleotide variant.
Coding change: c.1048-168G>T on transcript NM_015915.5 (MANE Select); 168 bases into the intron before coding-DNA position 1048, G replaced by T.
Molecular consequence: intron variant.
Genome position (GRCh38, 1-based): chr14:50,623,009, G>T. VCF-style: chr14-50623009-G-T. GRCh37 (hg19) VCF-style: chr14-51089727-G-T.
Other names: c.1048-168G>T (NM_001127713.1, NM_181598.4).
Identifiers: ClinVar variation 678070 (VCV000678070.2), dbSNP rs3736307, ClinGen allele CA260790899.
Genomic context (GRCh38, chr14:50,623,009, plus strand): 5'-ATTCATTTTAGAAGTATTGTGTATTGAGTAAAAATCTGTTTATGCATTTTTGAAACTTTT[G>T]TACTACTTTTTAAAATGTAGTAGAAATATTATAACAGTTTTAAATTATTTTGAGGACTTT-3'